The following is an entry in ClinVar:

ClinVar aggregate classification (germline): Uncertain significance. Review status: criteria provided, multiple submitters, no conflicts (2 of 4 stars). 2 submissions from 2 submitters: Uncertain significance (2). Last evaluated 2023-12-10.

Conditions:
Very long chain acyl-CoA dehydrogenase deficiency (ACADVLD). Also called: Very Long-Chain Acyl-Coenzyme A Dehydrogenase Deficiency; VLCAD Deficiency. Identifiers: Orphanet 26793, MedGen C3887523, MONDO:0008723, OMIM 201475.

Allele frequency attached by ClinVar (database versions not stated): gnomAD 0.00001.

Submissions (2):

Labcorp Genetics (formerly Invitae), Labcorp
Classification: Uncertain significance for Very long chain acyl-CoA dehydrogenase deficiency. Last evaluated: 2023-12-10. Review status: criteria provided, single submitter. Criteria: Invitae Variant Classification Sherloc (09022015). Collection method: clinical testing. Allele origin: germline.
Comment: This sequence change replaces methionine, which is neutral and non-polar, with valine, which is neutral and non-polar, at codon 169 of the ACADVL protein (p.Met169Val). This variant is not present in population databases (gnomAD no frequency). This missense change has been observed in individual(s) with clinical features of very long chain acyl-CoA dehydrogenase (VLCAD) deficiency (Invitae). In at least one individual the data is consistent with being in trans (on the opposite chromosome) from a pathogenic variant. ClinVar contains an entry for this variant (Variation ID: 932865). Advanced modeling of protein sequence and biophysical properties (such as structural, functional, and spatial information, amino acid conservation, physicochemical variation, residue mobility, and thermodynamic stability) has been performed at Invitae for this missense variant, however the output from this modeling did not meet the statistical confidence thresholds required to predict the impact of this variant on ACADVL protein function. In summary, the available evidence is currently insufficient to determine the role of this variant in disease. Therefore, it has been classified as a Variant of Uncertain Significance.

Wong Mito Lab, Molecular and Human Genetics, Baylor College of Medicine
Classification: Uncertain significance for Very long chain acyl-CoA dehydrogenase deficiency. Last evaluated: 2019-11-01. Review status: criteria provided, single submitter. Criteria: ACMG Guidelines, 2015. Collection method: clinical testing. Allele origin: germline.
Comment: The NM_000018.3:c.505A>G (NP_000009.1:p.Met169Val) [GRCH38: NC_000017.11:g.7221565A>G] variant in ACADVL gene is interpretated to be Uncertain Significance based on ACMG guidelines (PMID: 25741868). This variant has been reported. This variant meets the following evidence codes reported in the ACMG guidelines: PM1

NM_000018.4(ACADVL):c.505A>G (p.Met169Val)

Gene: ACADVL (acyl-CoA dehydrogenase very long chain; plus strand). Cytogenetic location: 17p13.1.
Variant type: single nucleotide variant.
Coding change: c.505A>G on transcript NM_000018.4 (MANE Select); coding-DNA position 505, A replaced by G.
Protein change: p.Met169Val; replaces methionine 169 with valine.
Molecular consequence: missense variant.
Genome position (GRCh38, 1-based): chr17:7,221,565, A>G. VCF-style: chr17-7221565-A-G. GRCh37 (hg19) VCF-style: chr17-7124884-A-G.
Other names: c.439A>G, p.Met147Val (NM_001033859.3); c.574A>G, p.Met192Val (NM_001270447.2); c.277A>G, p.Met93Val (NM_001270448.2); short protein forms M192V, M147V, M169V, M93V.
Identifiers: ClinVar variation 932865 (VCV000932865.4), dbSNP rs2071227343, ClinGen allele CA397723049.